The following is an entry in ClinVar:

NM_001369.3(DNAH5):c.3220_3221insCACTCAGCAGCACGACGAT (p.Asp1074fs)

Genes: DNAH5-AS1 (DNAH5 antisense RNA 1; plus strand), DNAH5 (dynein axonemal heavy chain 5; minus strand). Cytogenetic location: 5p15.2.
Variant type: Insertion.
Coding change: c.3220_3221insCACTCAGCAGCACGACGAT on transcript NM_001369.3 (MANE Select); coding-DNA positions 3220 to 3221, CACTCAGCAGCACGACGAT inserted.
Protein change: p.Asp1074fs; shifts the reading frame from aspartic acid 1074.
Molecular consequence: frameshift variant.
Genome position: GRCh38 VCF-style: chr5-13882769-T-TATCGTCGTGCTGCTGAGTG. GRCh37 (hg19) VCF-style: chr5-13882878-T-TATCGTCGTGCTGCTGAGTG.
Other names: short protein forms D1074fs.
Identifiers: ClinVar variation 5010343 (VCV005010343.1).

ClinVar aggregate classification (germline): Pathogenic (1 of 4 stars; one submission).

Conditions:
Primary ciliary dyskinesia 3. Identifiers: Orphanet 244, MedGen C1837618, MONDO:0012085, OMIM 608644.

Submission:

Myriad Genetics, Inc.
Classification: Pathogenic for Primary ciliary dyskinesia 3. Last evaluated: 2024-05-14. Review status: criteria provided, single submitter. Criteria: Myriad Autosomal Dominant, Autosomal Recessive and X-Linked Classification Criteria (2023). Collection method: clinical testing. Allele origin: unknown.
Comment: NM_001369.2(DNAH5):c.3220_3221ins19(D1074Afs*9) is expected to be pathogenic in the context of primary ciliary dyskinesia, DNAH5-related. This variant is predicted to lead to an abnormal or absent protein product due to the creation of a premature termination codon in DNAH5, a gene where loss-of-function variants are known to be pathogenic. Please note: this variant was assessed in the context of healthy population screening.